The following is an entry in ClinVar:

ClinVar aggregate classification (germline): Pathogenic/Likely pathogenic. Review status: criteria provided, multiple submitters, no conflicts (2 of 4 stars). 3 submissions from 3 submitters: Pathogenic (2); Likely pathogenic (1). Last evaluated 2024-04-10.

Conditions:
Thyroid dyshormonogenesis 6 (TDH6). Also called: Genetic transient congenital hypothyroidism; THYROID HORMONOGENESIS, GENETIC DEFECT IN, 6; HYPOTHYROIDISM, CONGENITAL, DUE TO DYSHORMONOGENESIS, 6. Identifiers: Orphanet 226316, Orphanet 95716, MedGen C1846632, MONDO:0011792, OMIM 607200.

Submissions (3):

Fulgent Genetics
Classification: Pathogenic for Thyroid dyshormonogenesis 6. Last evaluated: 2024-04-10. Review status: criteria provided, single submitter. Criteria: ACMG Guidelines, 2015. Collection method: clinical testing. Allele origin: germline.

Labcorp Genetics (formerly Invitae), Labcorp
Classification: Pathogenic. Last evaluated: 2024-01-11. Review status: criteria provided, single submitter. Criteria: Invitae Variant Classification Sherloc (09022015). Collection method: clinical testing. Allele origin: germline.
Comment: This sequence change creates a premature translational stop signal (p.Glu160Argfs*16) in the DUOX2 gene. It is expected to result in an absent or disrupted protein product. Loss-of-function variants in DUOX2 are known to be pathogenic (PMID: 12110737, 18765513, 21565790, 24423310, 24735383). This variant is not present in population databases (gnomAD no frequency). This premature translational stop signal has been observed in individual(s) with congenital hypothyroidism (PMID: 27557340, 29650690). For these reasons, this variant has been classified as Pathogenic.

Juno Genomics, Hangzhou Juno Genomics, Inc
Classification: Likely pathogenic for Thyroid dyshormonogenesis 6. Review status: criteria provided, single submitter. Criteria: ACMG Guidelines, 2015. Collection method: clinical testing. Allele origin: germline.
Comment: Null variant in a gene where loss of function (LOF) is a known mechanism of disease.;Absent from controls (or at extremely low frequency if recessive) in Genome Aggregation Database.

Literature cited by the submitters: PubMed 12110737 (cited by Labcorp Genetics (formerly Invitae), Labcorp); PubMed 18765513 (cited by Labcorp Genetics (formerly Invitae), Labcorp); PubMed 21565790 (cited by Labcorp Genetics (formerly Invitae), Labcorp); PubMed 24423310 (cited by Labcorp Genetics (formerly Invitae), Labcorp); PubMed 24735383 (cited by Labcorp Genetics (formerly Invitae), Labcorp); PubMed 27557340 (cited by Labcorp Genetics (formerly Invitae), Labcorp); PubMed 29650690 (cited by Labcorp Genetics (formerly Invitae), Labcorp).

NM_001363711.2(DUOX2):c.477del (p.Glu160fs)

Gene: DUOX2 (dual oxidase 2; minus strand). Cytogenetic location: 15q21.1.
Variant type: Deletion.
Coding change: c.477del on transcript NM_001363711.2 (MANE Select); coding-DNA position 477, one base deleted (C; older notation c.477delC).
Protein change: p.Glu160fs; shifts the reading frame from glutamic acid 160.
Molecular consequence: frameshift variant.
Genome position (GRCh38, 1-based): chr15:45,111,804, G deleted on the plus strand (C on the coding strand, the reverse complement: DUOX2 is on the minus strand); the first of 4 consecutive G bases (chr15:45,111,804-45,111,807); deleting any one gives the same sequence. VCF-style (leftmost placement, unchanged base first): chr15-45111803-CG-C. GRCh37 (hg19) VCF-style: chr15-45404001-CG-C.
Other names: c.477del (NM_014080.4); c.477del, p.Glu160fs (NM_014080.5); short protein forms E160fs.
Identifiers: ClinVar variation 2736211 (VCV002736211.6), dbSNP rs1480917996, ClinGen allele CA713116853.